The following is an entry in ClinVar:

ClinVar aggregate classification (germline): Uncertain significance. Review status: criteria provided, multiple submitters, no conflicts (2 of 4 stars). 2 submissions from 2 submitters: Uncertain significance (2). Last evaluated 2026-04-20.

Conditions:
Hypertrophic cardiomyopathy 14. Identifiers: MedGen C2750467, MONDO:0013197, OMIM 613251.

gnomAD v4.1: 5 of 1,614,214 alleles (0.00031%); highest among the groups gnomAD compares: Non-Finnish European, 0.00042%; no homozygotes.

Submissions (2):

GeneDx
Classification: Uncertain significance. Last evaluated: 2026-04-20. Review status: criteria provided, single submitter. Criteria: GeneDx Variant Classification Process June 2021. Collection method: clinical testing. Allele origin: germline.
Comment: Not observed at significant frequency in large population cohorts (gnomAD); In silico analysis supports that this missense variant has a deleterious effect on protein structure/function; Has not been previously published as pathogenic or benign to our knowledge

MVZ Medizinische Genetik Mainz
Classification: Uncertain significance for Hypertrophic cardiomyopathy 14. Last evaluated: 2024-08-29. Review status: criteria provided, single submitter. Criteria: UK Practice Guidelines For Variant Classification V4 01 2020. Collection method: clinical testing. Allele origin: germline. Inheritance: Autosomal dominant inheritance. Affected: yes. Observed: 1 variant allele.
Comment: ACMG Criteria: PP3_MOD,PM2_SUP

NM_002471.4(MYH6):c.1463A>G (p.Gln488Arg)

Gene: MYH6 (myosin heavy chain 6; minus strand). Cytogenetic location: 14q11.2.
Variant type: single nucleotide variant.
Coding change: c.1463A>G on transcript NM_002471.4 (MANE Select); coding-DNA position 1463, A replaced by G.
Protein change: p.Gln488Arg; replaces glutamine 488 with arginine.
Molecular consequence: missense variant.
Genome position (GRCh38, 1-based): chr14:23,400,374, T>C on the plus strand (A>G on the coding strand, the complement: MYH6 is on the minus strand). VCF-style: chr14-23400374-T-C. GRCh37 (hg19) VCF-style: chr14-23869583-T-C.
Other names: short protein forms Q488R.
Identifiers: ClinVar variation 3342299 (VCV003342299.2).